The following is an entry in ClinVar:

NM_018475.5(TMEM165):c.377G>A (p.Arg126His)

Gene: TMEM165 (transmembrane protein 165; plus strand). Cytogenetic location: 4q12.
Variant type: single nucleotide variant.
Coding change: c.377G>A on transcript NM_018475.5 (MANE Select); coding-DNA position 377, G replaced by A.
Protein change: p.Arg126His; replaces arginine 126 with histidine.
Molecular consequence: missense variant. On other transcripts: non-coding transcript variant (1).
Genome position (GRCh38, 1-based): chr4:55,411,783, G>A. VCF-style: chr4-55411783-G-A. GRCh37 (hg19) VCF-style: chr4-56277950-G-A.
Other names: short protein forms R126H.
Identifiers: ClinVar variation 35519 (VCV000035519.4), dbSNP rs387907221, ClinGen allele CA260079.

ClinVar aggregate classification (germline): Conflicting classifications of pathogenicity. Review status: criteria provided, conflicting classifications (1 of 4 stars). 3 submissions from 3 submitters: Likely pathogenic (1); Uncertain significance (1). 1 of the submissions does not count toward it. Last evaluated 2025-03-05.

Conditions:
TMEM165-related disorder. Also called: TMEM165-related condition.
TMEM165-congenital disorder of glycosylation. Also called: Congenital disorder of glycosylation type 2k; CDG IIk; TMEM165-CDG. Identifiers: Orphanet 314667, MedGen C3553571, MONDO:0013870, OMIM 614727.

Submissions (3):

Dasa
Classification: Uncertain significance. Last evaluated: 2025-03-05. Review status: criteria provided, single submitter. Criteria: DASA Assertion Criteria. Collection method: clinical testing. Allele origin: germline.
Comment: NM_018475.5(TMEM165):c.377G>A (p.Arg126His) is a missense variant that results in the substitution of arginine with histidine. This variant has been reported in individuals with TMEM165-related disorders (PMID: 22683087). Also, this variant is rare in population databases. Computational prediction algorithms are consistent with a deleterious effect. The currently available literature and clinical evidence are not sufficient to establish a definitive association between this variant and the reported condition. Therefore, this variant is classified as a variant of uncertain significance.

Blueprint Genetics
Classification: Likely pathogenic for TMEM165-related disorders. Last evaluated: 2024-10-30. Review status: criteria provided, single submitter. Criteria: ACMG Guidelines, 2015. Collection method: clinical testing. Allele origin: germline. Affected: yes. Observed: 2 variant alleles.

OMIM
Classification: Pathogenic for CONGENITAL DISORDER OF GLYCOSYLATION, TYPE IIk. Last evaluated: 2012-07-13. Review status: no assertion criteria provided. Collection method: literature only. Allele origin: germline. Not counted in ClinVar's aggregate classification.

Literature cited by the submitters: PubMed 22683087 (cited by Dasa and OMIM).